The following is an entry in ClinVar:

NM_032043.3(BRIP1):c.1341-5T>C

Gene: BRIP1 (BRCA1 interacting DNA helicase 1; minus strand). Cytogenetic location: 17q23.2.
Variant type: single nucleotide variant.
Coding change: c.1341-5T>C on transcript NM_032043.3 (MANE Select); 5 bases into the intron before coding-DNA position 1341, T replaced by C.
Molecular consequence: intron variant.
Genome position (GRCh38, 1-based): chr17:61,793,734, A>G on the plus strand (T>C on the coding strand, the complement: BRIP1 is on the minus strand). VCF-style: chr17-61793734-A-G. GRCh37 (hg19) VCF-style: chr17-59871095-A-G.
Identifiers: ClinVar variation 2943206 (VCV002943206.3), dbSNP rs2145245574, ClinGen allele CA2733904798.

ClinVar aggregate classification (germline): Uncertain significance (1 of 4 stars; one submission).

Conditions:
Fanconi anemia complementation group J. Also called: BRIP1-Related Fanconi Anemia. Identifiers: Orphanet 84, MedGen C1836860, MONDO:0012187, OMIM 609054.
Familial cancer of breast. Also called: BREAST CANCER, FAMILIAL; Hereditary breast cancer; hereditary breast carcinoma. Identifiers: Orphanet 227535, MedGen C0346153, MONDO:0016419, OMIM 114480. Disease mechanism: loss of function.

Submission:

Labcorp Genetics (formerly Invitae), Labcorp
Classification: Uncertain significance for Familial cancer of breast; Fanconi anemia complementation group J. Last evaluated: 2023-01-14. Review status: criteria provided, single submitter. Criteria: Invitae Variant Classification Sherloc (09022015). Collection method: clinical testing. Allele origin: germline.
Comment: Algorithms developed to predict the effect of sequence changes on RNA splicing suggest that this variant may disrupt the consensus splice site. This variant has not been reported in the literature in individuals affected with BRIP1-related conditions. This variant is not present in population databases (gnomAD no frequency). This sequence change falls in intron 9 of the BRIP1 gene. It does not directly change the encoded amino acid sequence of the BRIP1 protein. In summary, the available evidence is currently insufficient to determine the role of this variant in disease. Therefore, it has been classified as a Variant of Uncertain Significance.